The following is an entry in ClinVar:

NM_001077418.3(TMEM231):c.208del (p.Val70fs)

Gene: TMEM231 (transmembrane protein 231; minus strand). Cytogenetic location: 16q23.1.
Variant type: Deletion.
Coding change: c.208del on transcript NM_001077418.3 (MANE Select); coding-DNA position 208, one base deleted (G; older notation c.208delG).
Protein change: p.Val70fs; shifts the reading frame from valine 70.
Molecular consequence: frameshift variant. On other transcripts: non-coding transcript variant (1).
Genome position (GRCh38, 1-based): chr16:75,555,905, C deleted on the plus strand (G on the coding strand, the reverse complement: TMEM231 is on the minus strand). VCF-style (leftmost placement, unchanged base first): chr16-75555904-AC-A. GRCh37 (hg19) VCF-style: chr16-75589802-AC-A.
Other names: c.367del, p.Val123fs (NM_001077416.2); short protein forms V123fs, V70fs.
Identifiers: ClinVar variation 3757816 (VCV003757816.2).
Genomic context (GRCh38, chr16:75,555,904, plus strand): 5'-TTGAAGGCGGGGAACGTGCTCCAGGCGAGGAACCCGTCGCTTTCGGGTCCGAGCAGGGCC[AC>A]GAGCAGCACCTGGTGTTGGAAGCGCACGGTCGGCTGCTCCTCGTAGCTGCTCCGCTTCAG-3'

ClinVar aggregate classification (germline): Pathogenic (1 of 4 stars; one submission).

Conditions:
Meckel syndrome, type 11 (MKS11). Identifiers: Orphanet 564, MedGen C3809352, MONDO:0014164, OMIM 615397.
Joubert syndrome 20 (JBTS20). Identifiers: Orphanet 475, MedGen C3554235, MONDO:0013994, OMIM 614970.

Submission:

Labcorp Genetics (formerly Invitae), Labcorp
Classification: Pathogenic for Joubert syndrome 20; Meckel syndrome, type 11. Last evaluated: 2024-08-24. Review status: criteria provided, single submitter. Criteria: Invitae Variant Classification Sherloc (09022015). Collection method: clinical testing. Allele origin: germline.
Comment: This sequence change creates a premature translational stop signal (p.Val123Trpfs*70) in the TMEM231 gene. It is expected to result in an absent or disrupted protein product. Loss-of-function variants in TMEM231 are known to be pathogenic (PMID: 23012439, 23349226). This variant is not present in population databases (gnomAD no frequency). This variant has not been reported in the literature in individuals affected with TMEM231-related conditions. For these reasons, this variant has been classified as Pathogenic.

Literature cited by the submitters: PubMed 23012439; PubMed 23349226.